The following is an entry in ClinVar:

ClinVar aggregate classification (germline): Uncertain significance. Review status: criteria provided, multiple submitters, no conflicts (2 of 4 stars). 3 submissions from 3 submitters: Uncertain significance (3). Last evaluated 2025-05-27.

gnomAD v4.1: 16 of 1,614,042 alleles (0.00099%); highest among the groups gnomAD compares: Non-Finnish European, 0.0014%; no homozygotes.

Submissions (3):

GeneDx
Classification: Uncertain significance. Last evaluated: 2025-05-27. Review status: criteria provided, single submitter. Criteria: GeneDx Variant Classification Process June 2021. Collection method: clinical testing. Allele origin: germline. Affected: yes.
Comment: Has not been previously published as pathogenic or benign to our knowledge; Not observed at significant frequency in large population cohorts (gnomAD); In silico analysis suggests that this missense variant does not alter protein structure/function

Women's Health and Genetics/Laboratory Corporation of America, LabCorp
Classification: Uncertain significance. Last evaluated: 2024-09-04. Review status: criteria provided, single submitter. Criteria: LabCorp Variant Classification Summary - May 2015. Collection method: clinical testing. Allele origin: germline.
Comment: Variant summary: AFG3L2 c.2353A>G (p.Lys785Glu) results in a conservative amino acid change in the encoded protein sequence. Four of five in-silico tools predict a benign effect of the variant on protein function. The variant allele was found at a frequency of 8e-06 in 251486 control chromosomes. The available data on variant occurrences in the general population are insufficient to allow any conclusion about variant significance. To our knowledge, no occurrence of c.2353A>G in individuals affected with Spinocerebellar Ataxia Type 28 and no experimental evidence demonstrating its impact on protein function have been reported. No submitters have cited clinical-significance assessments for this variant to ClinVar. Based on the evidence outlined above, the variant was classified as uncertain significance.

Blueprint Genetics
Classification: Uncertain significance. Last evaluated: 2021-11-02. Review status: criteria provided, single submitter. Criteria: ACMG Guidelines, 2015. Collection method: clinical testing. Allele origin: germline.

NM_006796.3(AFG3L2):c.2353A>G (p.Lys785Glu)

Genes: AFG3L2 (AFG3 like matrix AAA peptidase subunit 2; minus strand), TUBB6 (tubulin beta 6 class V; plus strand). Cytogenetic location: 18p11.21.
Variant type: single nucleotide variant.
Coding change: c.2353A>G on transcript NM_006796.3 (MANE Select); coding-DNA position 2353, A replaced by G.
Protein change: p.Lys785Glu; replaces lysine 785 with glutamic acid.
Molecular consequence: missense variant. On other transcripts: 3 prime UTR variant (1).
Genome position (GRCh38, 1-based): chr18:12,329,606, T>C on the plus strand (A>G on the coding strand, the complement: AFG3L2 is on the minus strand). VCF-style: chr18-12329606-T-C. GRCh37 (hg19) VCF-style: chr18-12329605-T-C.
Other names: c.*423T>C (NM_001303525.2); short protein forms K785E.
Identifiers: ClinVar variation 3375055 (VCV003375055.2).
Genomic context (GRCh38, chr18:12,329,606, plus strand): 5'-ATGGCCTCCCTCTGGGCCTCTAGTTGGCAACTTTCTCACCCGGGGGCTCCTCTTTCTCCT[T>C]TTCCCGCTCCTTGTTCCAGTCCTTAAGGCCTTCTGGAAGTGAGGTGTCCTCATCCAAGCT-3'
Protein context (NP_006787.2, residues 775-795): GLKDWNKERE[Lys785Glu]EKEEPPGEKV